The following is an entry in ClinVar:

NM_007294.4(BRCA1):c.5039T>A (p.Ile1680Asn)

Gene: BRCA1 (BRCA1 DNA repair associated; minus strand). Cytogenetic location: 17q21.31.
Variant type: single nucleotide variant.
Coding change: c.5039T>A on transcript NM_007294.4 (MANE Select); coding-DNA position 5039, T replaced by A.
Protein change: p.Ile1680Asn; replaces isoleucine 1680 with asparagine.
Molecular consequence: missense variant. On other transcripts: non-coding transcript variant (1).
Genome position (GRCh38, 1-based): chr17:43,067,643, A>T on the plus strand (T>A on the coding strand, the complement: BRCA1 is on the minus strand). VCF-style: chr17-43067643-A-T. GRCh37 (hg19) VCF-style: chr17-41219660-A-T.
Other names: c.1589T>A, p.Ile530Asn (NM_001408452.1, NM_001408453.1, NM_001408454.1 and 3 more transcripts); c.1586T>A, p.Ile529Asn (NM_001408464.1, NM_001408465.1, NM_001408466.1 and 7 more transcripts); c.1583T>A, p.Ile528Asn (NM_001408468.1, NM_001408469.1, NM_001408470.1); c.1727T>A, p.Ile576Asn (NM_001408472.1, NM_007298.4, NM_007299.4 and 13 more transcripts); c.1724T>A, p.Ile575Asn (NM_001408473.1, NM_001408404.1, NM_001408392.1 and 8 more transcripts); c.1517T>A, p.Ile506Asn (NM_001408485.1, NM_001408489.1, NM_001408490.1 and 5 more transcripts); c.1514T>A, p.Ile505Asn (NM_001408492.1, NM_001408493.1); c.1490T>A, p.Ile497Asn (NM_001408494.1); and 70 more; short protein forms I1633N, I1701N, I576N, I1680N, I599N, I811N, I1383N, I1552N.
Identifiers: ClinVar variation 868553 (VCV000868553.3), dbSNP rs1489545368, ClinGen allele CA10591439.

Conditions:
Breast-ovarian cancer, familial, susceptibility to, 1 (BROVCA1). Also called: BRCA1 Hereditary Breast and Ovarian Cancer; OVARIAN CANCER, SUSCEPTIBILITY TO. Identifiers: Orphanet 145, MedGen C2676676, MONDO:0011450, OMIM 604370. Disease mechanism: loss of function.

Submission:

Brotman Baty Institute, University of Washington
No classification provided (evidence only). Condition: Breast-ovarian cancer, familial 1. Review status: no classification provided. Collection method: in vitro. Allele origin: not applicable. Functional consequence: functionally_normal.
ClinVar note: "not provided" was previously submitted as the classification for the variant. However, the classification appeared to be based only on an observation of functional data so it was converted to no classification on 2025-07-30.